The following is an entry in ClinVar:

ClinVar aggregate classification (germline): Benign/Likely benign. Review status: criteria provided, multiple submitters, no conflicts (2 of 4 stars). 23 submissions from 22 submitters: Benign (16); Likely benign (3). 4 of the submissions do not count toward it. Last evaluated 2026-02-04.

Conditions:
Cardiovascular phenotype. Identifiers: MedGen CN230736.
Hypobetalipoproteinemia. Identifiers: Orphanet 31154, MedGen C0020597, MONDO:0017774.
Familial hypercholesterolemia. Also called: Familial hypercholesterolaemia; Familial hypercholesterolemias. Identifiers: MedGen C0020445, MONDO:0005439.
Hypercholesterolemia, familial, 1. Also called: HYPERCHOLESTEROLEMIA, FAMILIAL, MODIFIER OF; LDL RECEPTOR DISORDER; Hyperlipoproteinemia Type IIa; HYPER-LOW-DENSITY-LIPOPROTEINEMIA; HYPERCHOLESTEROLEMIC XANTHOMATOSIS, FAMILIAL; Fredrickson type IIa hyperlipoproteinemia. Identifiers: Orphanet 391665, MedGen C0745103, MONDO:0007750, OMIM 143890.
Hypercholesterolemia, autosomal dominant, 3 (FHCL3). Also called: Familial hypercholesterolemia 3; PCSK9-Related Familial Hypercholesterolemia, Autosomal Dominant; Familial Hypercholesterolemia, Autosomal Dominant, 3. Identifiers: MedGen C1863551, MONDO:0011369, OMIM 603776.

Allele frequency attached by ClinVar (database versions not stated): TOPMed 0.89331; 1000 Genomes Project 30x 0.89428; gnomAD 0.89865; ExAC 0.94328; ESP Exome Variant Server 0.88944; 1000 Genomes Project 0.89896; gnomAD exomes 0.95972.

Submissions (23):

Labcorp Genetics (formerly Invitae), Labcorp
Classification: Benign for Hypercholesterolemia, autosomal dominant, 3. Last evaluated: 2026-02-04. Review status: criteria provided, single submitter. Criteria: Invitae Variant Classification Sherloc (09022015). Collection method: clinical testing. Allele origin: germline.

ARUP Laboratories, Molecular Genetics and Genomics, ARUP Laboratories
Classification: Benign. Last evaluated: 2025-07-30. Review status: criteria provided, single submitter. Criteria: ARUP Molecular Germline Variant Investigation Process 2024. Collection method: clinical testing. Allele origin: germline.

Molecular Diagnostic Laboratory for Inherited Cardiovascular Disease, Montreal Heart Institute
Classification: Benign. Last evaluated: 2025-04-09. Review status: criteria provided, single submitter. Criteria: ACMG Guidelines, 2015. Collection method: clinical testing. Allele origin: germline. Affected: no.

Blueprint Genetics
Classification: Benign. Last evaluated: 2024-11-26. Review status: criteria provided, single submitter. Criteria: ACMG Guidelines, 2015. Collection method: clinical testing. Allele origin: germline.

All of Us Research Program, National Institutes of Health
Classification: Benign for Hypercholesterolemia, autosomal dominant, 3. Last evaluated: 2024-10-03. Review status: criteria provided, single submitter. Criteria: ACMG Guidelines, 2015. Collection method: clinical testing. Allele origin: germline. Inheritance: Autosomal dominant inheritance. Observed: 142,478 variant alleles, 13,986 heterozygotes, 128,460 homozygotes, 32 hemizygotes.
Comment: This study involves interpretation of variants in research participants for the purpose of population health screening. Participant phenotype was not available at the time of variant classification. Additional details can be found in publication PMID: 35346344, PMCID: PMC8962531

GENinCode PLC
Classification: Benign for Familial hypercholesterolemia. Last evaluated: 2022-07-06. Review status: criteria provided, single submitter. Criteria: ACMG Guidelines, 2015. Collection method: clinical testing. Allele origin: germline.

Genome-Nilou Lab
Classification: Benign for Hypercholesterolemia, autosomal dominant, 3. Last evaluated: 2021-09-05. Review status: criteria provided, single submitter. Criteria: ACMG Guidelines, 2015. Collection method: clinical testing. Allele origin: germline. Affected: no.

Color Diagnostics, LLC DBA Color Health
Classification: Benign for Familial hypercholesterolemia. Last evaluated: 2017-06-22. Review status: criteria provided, single submitter. Criteria: ACMG Guidelines, 2015. Collection method: clinical testing. Allele origin: germline.

Illumina Laboratory Services, Illumina
Classification: Likely benign for Hypobetalipoproteinemia. Last evaluated: 2017-04-27. Review status: criteria provided, single submitter. Criteria: ICSL Variant Classification Criteria 13 December 2019. Collection method: clinical testing. Allele origin: germline.
Comment: This variant was observed as part of a predisposition screen in an ostensibly healthy population. A literature search was performed for the gene, cDNA change, and amino acid change (where applicable). No publications were found based on this search. Allele frequency data from public databases allowed determination this variant is unlikely to cause disease. Therefore, this variant is classified as likely benign.

Illumina Laboratory Services, Illumina
Classification: Likely benign for Hypercholesterolemia, autosomal dominant, 3. Last evaluated: 2017-04-27. Review status: criteria provided, single submitter. Criteria: ICSL Variant Classification Criteria 13 December 2019. Collection method: clinical testing. Allele origin: germline.
Comment: the same text as in the submission from Illumina Laboratory Services, Illumina above.

GeneDx
Classification: Benign. Last evaluated: 2016-10-07. Review status: criteria provided, single submitter. Criteria: GeneDx Variant Classification (06012015). Collection method: clinical testing. Allele origin: germline. Affected: yes.
Comment: This variant is considered likely benign or benign based on one or more of the following criteria: it is a conservative change, it occurs at a poorly conserved position in the protein, it is predicted to be benign by multiple in silico algorithms, and/or has population frequency not consistent with disease.

Cardiovascular Research Group, Instituto Nacional de Saude Doutor Ricardo Jorge
Classification: Benign for Familial hypercholesterolemia. Last evaluated: 2016-03-01. Review status: criteria provided, single submitter. Criteria: ACMG Guidelines, 2015. Collection method: research. Allele origin: germline. Affected: yes.
Comment: MAF = 2% in 100 subjects with average plasma cholesterol; 291 hmz(AA) + 28 htz(GA) in 319 normolipidemic individuals; 98(AA)/100 normolipidemic individuals

Iberoamerican FH Network
Classification: Benign for Familial hypercholesterolemia. Last evaluated: 2016-03-01. Review status: criteria provided, single submitter. Criteria: ACMG Guidelines, 2015. Collection method: research. Allele origin: germline.
Comment: Variant present in the database from Mexico

Laboratory of Genetics and Molecular Cardiology, University of São Paulo
Classification: Benign for Familial hypercholesterolemia. Last evaluated: 2016-03-01. Review status: criteria provided, single submitter. Criteria: ACMG Guidelines, 2015. Collection method: research. Allele origin: germline. Study: HipercolBrasil.

Ambry Genetics
Classification: Benign for Cardiovascular phenotype. Last evaluated: 2015-12-08. Review status: criteria provided, single submitter. Criteria: Ambry Variant Classification Scheme 2023. Collection method: clinical testing. Allele origin: germline.

Mayo Clinic Laboratories, Mayo Clinic
Classification: Benign. Last evaluated: 2014-02-05. Review status: criteria provided, single submitter. Criteria: ACMG Guidelines, 2015. Collection method: clinical testing. Allele origin: germline. Observed: 1,307 variant alleles.

Women's Health and Genetics/Laboratory Corporation of America, LabCorp
Classification: Benign for Familial Hypercholesterolemia. Last evaluated: 2011-08-18. Review status: criteria provided, single submitter. Criteria: LabCorp Variant Classification Summary - May 2015. Collection method: curation. Allele origin: germline. Inheritance: autosomal unknown. Affected: yes.
ClinVar note: Converted during submission from benign to Benign.

Breakthrough Genomics
Classification: Likely benign. Review status: criteria provided, single submitter. Criteria: ACMG Guidelines, 2015. Collection method: not provided. Allele origin: germline. Inheritance: Autosomal dominant inheritance. Affected: yes.

PreventionGenetics, part of Exact Sciences
Classification: Benign. Review status: criteria provided, single submitter. Criteria: ACMG Guidelines, 2015. Collection method: clinical testing. Allele origin: germline.

Cohesion Phenomics
Classification: Benign for Familial hypercholesterolemia. Last evaluated: 2023-02-09. Review status: no assertion criteria provided. Criteria: ACMG Guidelines, 2015. Collection method: clinical testing. Allele origin: germline. Affected: yes. Not counted in ClinVar's aggregate classification.

Clinical Genetics, Academic Medical Center
Classification: Benign. Review status: no assertion criteria provided. Collection method: clinical testing. Allele origin: germline. Affected: yes. Study: VKGL Data-share Consensus. Not counted in ClinVar's aggregate classification.

Diagnostic Laboratory, Department of Genetics, University Medical Center Groningen
Classification: Benign for Hypercholesterolemia, autosomal dominant, 3. Review status: no assertion criteria provided. Collection method: clinical testing. Allele origin: germline. Affected: yes. Study: VKGL Data-share Consensus. Not counted in ClinVar's aggregate classification.

Laboratorium voor Moleculaire Diagnostiek Experimentele Vasculaire Geneeskunde, Academisch Medisch Centrum
Classification: Benign for Familial hypercholesterolemia. Review status: no assertion criteria provided. Collection method: research. Allele origin: germline. Not counted in ClinVar's aggregate classification.

Literature cited by the submitters: PubMed 15358785 (cited by 3 submitters); PubMed 15893176 (cited by Cardiovascular Research Group, Instituto Nacional de Saude Doutor Ricardo Jorge); PubMed 17170371 (cited by Cardiovascular Research Group, Instituto Nacional de Saude Doutor Ricardo Jorge); PubMed 19191301 (cited by Women's Health and Genetics/Laboratory Corporation of America, LabCorp).

NM_174936.4(PCSK9):c.2009G>A (p.Gly670Glu)

Gene: PCSK9 (proprotein convertase subtilisin/kexin type 9; plus strand). Cytogenetic location: 1p32.3.
Variant type: single nucleotide variant.
Coding change: c.2009G>A on transcript NM_174936.4 (MANE Select); coding-DNA position 2009, G replaced by A.
Protein change: p.Gly670Glu; replaces glycine 670 with glutamic acid.
Molecular consequence: missense variant.
Genome position (GRCh38, 1-based): chr1:55,063,514, G>A. VCF-style: chr1-55063514-G-A. GRCh37 (hg19) VCF-style: chr1-55529187-G-A.
Other names: c.2132G>A, p.Gly711Glu (NM_001407240.1); c.2051G>A, p.Gly684Glu (NM_001407241.1); c.2012G>A, p.Gly671Glu (NM_001407242.1); c.1952G>A, p.Gly651Glu (NM_001407243.1); c.1835G>A, p.Gly612Glu (NM_001407244.1); c.1817G>A, p.Gly606Glu (NM_001407245.1); c.1634G>A, p.Gly545Glu (NM_001407246.1); c.1508G>A, p.Gly503Glu (NM_001407247.1); short protein forms G670E, G503E, G684E, G612E, G545E, G606E, G651E, G671E.
Identifiers: ClinVar variation 36670 (VCV000036670.44), dbSNP rs505151, ClinGen allele CA023140.